The following is an entry in ClinVar:

NM_000492.4(CFTR):c.2720T>A (p.Ile907Asn)

Gene: CFTR (CF transmembrane conductance regulator; plus strand). Cytogenetic location: 7q31.2.
Variant type: single nucleotide variant.
Coding change: c.2720T>A on transcript NM_000492.4 (MANE Select); coding-DNA position 2720, T replaced by A.
Protein change: p.Ile907Asn; replaces isoleucine 907 with asparagine.
Molecular consequence: missense variant.
Genome position (GRCh38, 1-based): chr7:117,603,594, T>A. VCF-style: chr7-117603594-T-A. GRCh37 (hg19) VCF-style: chr7-117243648-T-A.
Other names: short protein forms I907N.
Identifiers: ClinVar variation 1795193 (VCV001795193.2), dbSNP rs757444123, ClinGen allele CA368986503.

ClinVar aggregate classification (germline): Uncertain significance (1 of 4 stars; one submission).

Conditions:
Cystic fibrosis (CF). Also called: MUCOVISCIDOSIS. Identifiers: Orphanet 586, MedGen C0010674, MONDO:0009061, OMIM 219700. Disease mechanism: loss of function.

Submission:

Ambry Genetics
Classification: Uncertain significance for Cystic fibrosis. Last evaluated: 2021-07-12. Review status: criteria provided, single submitter. Criteria: Ambry Variant Classification Scheme 2023. Collection method: clinical testing. Allele origin: germline.
Comment: The p.I907N variant (also known as c.2720T>A), located in coding exon 17 of the CFTR gene, results from a T to A substitution at nucleotide position 2720. The isoleucine at codon 907 is replaced by asparagine, an amino acid with dissimilar properties. This amino acid position is conserved. In addition, the in silico prediction for this alteration is inconclusive. Since supporting evidence is limited at this time, the clinical significance of this alteration remains unclear.